The following is an entry in ClinVar:

ClinVar aggregate classification (germline): Benign. Review status: criteria provided, single submitter (1 of 4 stars). 4 submissions from 1 submitter: Benign (4). Last evaluated 2018-01-13.

Conditions:
Café-au-lait macules with pulmonary stenosis (WTSN). Also called: PULMONIC STENOSIS WITH CAFE-AU-LAIT SPOTS. Identifiers: MedGen C0553586, MONDO:0008672, OMIM 193520.
Neurofibromatosis, type 1 (NF1). Also called: VON RECKLINGHAUSEN DISEASE; NEUROFIBROMATOSIS, TYPE I, SOMATIC; Peripheral type neurofibromatosis; Neurofibromatosis, type I. Identifiers: Orphanet 636, MedGen C0027831, MONDO:0018975, OMIM 162200. Disease mechanism: loss of function.
Neurofibromatosis, familial spinal (FSNF). Identifiers: Orphanet 636, MedGen C1834235, MONDO:0008078, OMIM 162210. Disease mechanism: loss of function.
Neurofibromatosis-Noonan syndrome (NFNS). Also called: NEUROFIBROMATOSIS WITH NOONAN PHENOTYPE. Identifiers: Orphanet 638, MedGen C2931482, MONDO:0011035, OMIM 601321. Disease mechanism: loss of function.

Allele frequency attached by ClinVar (database versions not stated): TOPMed 0.00007; 1000 Genomes Project 0.00040; 1000 Genomes Project 30x 0.00062.
gnomAD v4.1: 34 of 233,268 alleles (0.015%); highest among the groups gnomAD compares: Admixed American, 0.095%; no homozygotes.

Submissions (4):

Illumina Laboratory Services, Illumina
Classification: Benign for Neurofibromatosis, familial spinal. Last evaluated: 2018-01-13. Review status: criteria provided, single submitter. Criteria: ICSL Variant Classification Criteria 13 December 2019. Collection method: clinical testing. Allele origin: germline.
Comment: This variant was observed in the ICSL laboratory as part of a predisposition screen in an ostensibly healthy population. It had not been previously curated by ICSL or reported in the Human Gene Mutation Database (HGMD: prior to June 1st, 2018), and was therefore a candidate for classification through an automated scoring system. Utilizing variant allele frequency, disease prevalence and penetrance estimates, and inheritance mode, an automated score was calculated to assess if this variant is too frequent to cause the disease. Based on the score and internal cut-off values, a variant classified as benign is not then subjected to further curation. The score for this variant resulted in a classification of benign for this disease.

Illumina Laboratory Services, Illumina
Classification: Benign for Neurofibromatosis-Noonan syndrome. Last evaluated: 2018-01-13. Review status: criteria provided, single submitter. Criteria: ICSL Variant Classification Criteria 13 December 2019. Collection method: clinical testing. Allele origin: germline.
Comment: the same text as in the submission from Illumina Laboratory Services, Illumina above.

Illumina Laboratory Services, Illumina
Classification: Benign for Café-au-lait macules with pulmonary stenosis. Last evaluated: 2018-01-13. Review status: criteria provided, single submitter. Criteria: ICSL Variant Classification Criteria 13 December 2019. Collection method: clinical testing. Allele origin: germline.
Comment: the same text as in the submission from Illumina Laboratory Services, Illumina above.

Illumina Laboratory Services, Illumina
Classification: Benign for Neurofibromatosis, type 1. Last evaluated: 2018-01-13. Review status: criteria provided, single submitter. Criteria: ICSL Variant Classification Criteria 13 December 2019. Collection method: clinical testing. Allele origin: germline.
Comment: the same text as in the submission from Illumina Laboratory Services, Illumina above.

NM_001042492.3(NF1):c.*2777C>T

Gene: NF1 (neurofibromin 1; plus strand). Cytogenetic location: 17q11.2.
Variant type: single nucleotide variant.
Coding change: c.*2777C>T on transcript NM_001042492.3 (MANE Select); 2777 bases downstream of the stop codon, C replaced by T.
Molecular consequence: 3 prime UTR variant.
Genome position (GRCh38, 1-based): chr17:31,376,932, C>T. VCF-style: chr17-31376932-C-T. GRCh37 (hg19) VCF-style: chr17-29703950-C-T.
Other names: c.*2777C>T (NM_000267.4).
Identifiers: ClinVar variation 891893 (VCV000891893.4), dbSNP rs185015732, ClinGen allele CA289712745.